The following is an entry in ClinVar:

ClinVar aggregate classification (germline): Uncertain significance (1 of 4 stars; one submission).

Conditions:
Hereditary cancer-predisposing syndrome. Also called: Neoplastic Syndromes, Hereditary; Tumor predisposition; Hereditary Cancer Syndrome; Hereditary neoplastic syndrome. Identifiers: Orphanet 140162, MedGen C0027672, MeSH D009386, MONDO:0015356.

gnomAD v4.1: 1 of 1,614,076 alleles (0.000062%); highest among the groups gnomAD compares: Non-Finnish European, 0.000085%; no homozygotes.

Submission:

Ambry Genetics
Classification: Uncertain significance for Hereditary cancer-predisposing syndrome. Last evaluated: 2026-04-12. Review status: criteria provided, single submitter. Criteria: Ambry Variant Classification Scheme 2023. Collection method: clinical testing. Allele origin: germline.
Comment: The p.L1397V variant (also known as c.4189C>G), located in coding exon 23 of the PTCH1 gene, results from a C to G substitution at nucleotide position 4189. The leucine at codon 1397 is replaced by valine, an amino acid with highly similar properties. This amino acid position is conserved. In addition, this alteration is predicted to be tolerated by in silico analysis. Based on the available evidence, the clinical significance of this variant remains unclear.

NM_000264.5(PTCH1):c.4189C>G (p.Leu1397Val)

Gene: PTCH1 (patched 1; minus strand). Cytogenetic location: 9q22.32.
Variant type: single nucleotide variant.
Coding change: c.4189C>G on transcript NM_000264.5 (MANE Select); coding-DNA position 4189, C replaced by G.
Protein change: p.Leu1397Val; replaces leucine 1397 with valine.
Molecular consequence: missense variant. On other transcripts: non-coding transcript variant (1).
Genome position (GRCh38, 1-based): chr9:95,447,067, G>C on the plus strand (C>G on the coding strand, the complement: PTCH1 is on the minus strand). VCF-style: chr9-95447067-G-C. GRCh37 (hg19) VCF-style: chr9-98209349-G-C.
Other names: c.3991C>G, p.Leu1331Val (NM_001083602.3); c.4186C>G, p.Leu1396Val (NM_001083603.3); c.3736C>G, p.Leu1246Val (NM_001083604.3, NM_001083605.3, NM_001083606.3 and 1 more transcripts); c.4033C>G, p.Leu1345Val (NM_001354918.2); short protein forms L1246V, L1331V, L1345V, L1396V, L1397V.
Identifiers: ClinVar variation 4862668 (VCV004862668.1).